The following is an entry in ClinVar:

ClinVar aggregate classification (germline): Uncertain significance (1 of 4 stars; one submission).

Conditions:
Glycine encephalopathy. Also called: Nonketotic hyperglycinemia; Non-ketotic hyperglycinemia. Identifiers: Orphanet 407, MedGen C0751748, MONDO:0011612, HP:0008288.

Allele frequency attached by ClinVar (database versions not stated): ExAC 0.00005.
gnomAD v4.1: 12 of 1,612,256 alleles (0.00074%); highest among the groups gnomAD compares: Admixed American, 0.015%; no homozygotes.

Submission:

Labcorp Genetics (formerly Invitae), Labcorp
Classification: Uncertain significance for Glycine encephalopathy. Last evaluated: 2022-02-09. Review status: criteria provided, single submitter. Criteria: Invitae Variant Classification Sherloc (09022015). Collection method: clinical testing. Allele origin: germline.
Comment: This sequence change affects codon 287 of the GLDC mRNA. It is a 'silent' change, meaning that it does not change the encoded amino acid sequence of the GLDC protein. This variant also falls at the last nucleotide of exon 6, which is part of the consensus splice site for this exon. This variant is present in population databases (rs540315265, gnomAD 0.04%). This variant has not been reported in the literature in individuals affected with GLDC-related conditions. Variants that disrupt the consensus splice site are a relatively common cause of aberrant splicing (PMID: 17576681, 9536098). Algorithms developed to predict the effect of sequence changes on RNA splicing suggest that this variant may disrupt the consensus splice site. In summary, the available evidence is currently insufficient to determine the role of this variant in disease. Therefore, it has been classified as a Variant of Uncertain Significance.

Literature cited by the submitters: PubMed 17576681; PubMed 9536098.

NM_000170.3(GLDC):c.861G>C (p.Gly287=)

Gene: GLDC (glycine decarboxylase; minus strand). Cytogenetic location: 9p24.1.
Variant type: single nucleotide variant.
Coding change: c.861G>C on transcript NM_000170.3 (MANE Select); coding-DNA position 861, G replaced by C.
Protein change: p.Gly287=; no amino-acid change (glycine 287 retained).
Molecular consequence: synonymous variant.
Genome position (GRCh38, 1-based): chr9:6,605,131, C>G on the plus strand (G>C on the coding strand, the complement: GLDC is on the minus strand). VCF-style: chr9-6605131-C-G. GRCh37 (hg19) VCF-style: chr9-6605131-C-G.
Identifiers: ClinVar variation 1419161 (VCV001419161.3), dbSNP rs540315265, ClinGen allele CA4980969.